The following is an entry in ClinVar:

NM_007194.4(CHEK2):c.1486C>A (p.Gln496Lys)

Gene: CHEK2 (checkpoint kinase 2; minus strand). Cytogenetic location: 22q12.1.
Variant type: single nucleotide variant.
Coding change: c.1486C>A on transcript NM_007194.4 (MANE Select); coding-DNA position 1486, C replaced by A.
Protein change: p.Gln496Lys; replaces glutamine 496 with lysine.
Molecular consequence: missense variant.
Genome position (GRCh38, 1-based): chr22:28,689,191, G>T on the plus strand (C>A on the coding strand, the complement: CHEK2 is on the minus strand). VCF-style: chr22-28689191-G-T. GRCh37 (hg19) VCF-style: chr22-29085179-G-T.
Other names: c.1615C>A, p.Gln539Lys (NM_001005735.3); c.823C>A, p.Gln275Lys (NM_001257387.3); c.1285C>A, p.Gln429Lys (NM_001349956.3); c.1399C>A, p.Gln467Lys (NM_145862.3); short protein forms Q496K, Q429K, Q275K, Q467K, Q539K.
Identifiers: ClinVar variation 481082 (VCV000481082.11), dbSNP rs756250205, ClinGen allele CA411092542.

ClinVar aggregate classification (germline): Uncertain significance. Review status: criteria provided, multiple submitters, no conflicts (2 of 4 stars). 2 submissions from 2 submitters: Uncertain significance (2). Last evaluated 2023-05-11.

Conditions:
Familial cancer of breast. Also called: BREAST CANCER, FAMILIAL; Hereditary breast cancer; hereditary breast carcinoma. Identifiers: Orphanet 227535, MedGen C0346153, MONDO:0016419, OMIM 114480. Disease mechanism: loss of function.
Hereditary cancer-predisposing syndrome. Also called: Hereditary Cancer Syndrome; Neoplastic Syndromes, Hereditary; Tumor predisposition; Hereditary neoplastic syndrome. Identifiers: Orphanet 140162, MedGen C0027672, MeSH D009386, MONDO:0015356.

Submissions (2):

Labcorp Genetics (formerly Invitae), Labcorp
Classification: Uncertain significance for Familial cancer of breast. Last evaluated: 2023-05-11. Review status: criteria provided, single submitter. Criteria: Invitae Variant Classification Sherloc (09022015). Collection method: clinical testing. Allele origin: germline.
Comment: In summary, the available evidence is currently insufficient to determine the role of this variant in disease. Therefore, it has been classified as a Variant of Uncertain Significance. Algorithms developed to predict the effect of missense changes on protein structure and function output the following: SIFT: "Not Available"; PolyPhen-2: "Benign"; Align-GVGD: "Not Available". The lysine amino acid residue is found in multiple mammalian species, which suggests that this missense change does not adversely affect protein function. ClinVar contains an entry for this variant (Variation ID: 481082). This variant has not been reported in the literature in individuals affected with CHEK2-related conditions. This variant is not present in population databases (gnomAD no frequency). This sequence change replaces glutamine, which is neutral and polar, with lysine, which is basic and polar, at codon 496 of the CHEK2 protein (p.Gln496Lys).

Ambry Genetics
Classification: Uncertain significance for Hereditary cancer-predisposing syndrome. Last evaluated: 2016-08-31. Review status: criteria provided, single submitter. Criteria: Ambry Variant Classification Scheme 2023. Collection method: clinical testing. Allele origin: germline.
Comment: The p.Q496K variant (also known as c.1486C>A), located in coding exon 13 of the CHEK2 gene, results from a C to A substitution at nucleotide position 1486. The glutamine at codon 496 is replaced by lysine, an amino acid with similar properties. This variant was not reported in population based cohorts in the following databases: Database of Single Nucleotide Polymorphisms (dbSNP), NHLBI Exome Sequencing Project (ESP), and 1000 Genomes Project. In the ESP, this variant was not observed in 3639 samples (7278 alleles) with coverage at this position. To date, this alteration has been detected with an allele frequency of approximately 0.001% (greater than 200000 alleles tested) in our clinical cohort. This amino acid position is not well conserved in available vertebrate species. In addition, this alteration is predicted to be tolerated by in silico analysis. Since supporting evidence is limited at this time, the clinical significance of this alteration remains unclear.